The following is an entry in ClinVar:

ClinVar aggregate classification (germline): Uncertain significance (1 of 4 stars; one submission).

Submission:

GeneDx
Classification: Uncertain significance. Last evaluated: 2023-01-09. Review status: criteria provided, single submitter. Criteria: GeneDx Variant Classification Process June 2021. Collection method: clinical testing. Allele origin: germline. Affected: yes.
Comment: Not observed at significant frequency in large population cohorts (gnomAD); In silico analysis supports that this missense variant has a deleterious effect on protein structure/function; Has not been previously published as pathogenic or benign to our knowledge

NM_197968.4(ZMYM2):c.3299C>T (p.Ser1100Phe)

Gene: ZMYM2 (zinc finger MYM-type containing 2; plus strand). Cytogenetic location: 13q12.11.
Variant type: single nucleotide variant.
Coding change: c.3299C>T on transcript NM_197968.4 (MANE Select); coding-DNA position 3299, C replaced by T.
Protein change: p.Ser1100Phe; replaces serine 1100 with phenylalanine.
Molecular consequence: missense variant. On other transcripts: non-coding transcript variant (1).
Genome position (GRCh38, 1-based): chr13:20,067,017, C>T. VCF-style: chr13-20067017-C-T. GRCh37 (hg19) VCF-style: chr13-20641157-C-T.
Other names: c.3299C>T, p.Ser1100Phe (NM_001190964.4, NM_001190965.4, NM_001353157.2 and 5 more transcripts); c.3104C>T, p.Ser1035Phe (NM_001353161.3); c.3038C>T, p.Ser1013Phe (NM_001353163.2); short protein forms S1013F, S1035F, S1100F.
Identifiers: ClinVar variation 2571930 (VCV002571930.1), dbSNP rs2504186969, ClinGen allele CA387466999.